The following is an entry in ClinVar:

NM_152383.5(DIS3L2):c.1337G>T (p.Arg446Met)

Gene: DIS3L2 (DIS3 like 3'-5' exoribonuclease 2; plus strand). Cytogenetic location: 2q37.1.
Variant type: single nucleotide variant.
Coding change: c.1337G>T on transcript NM_152383.5 (MANE Select); coding-DNA position 1337, G replaced by T.
Protein change: p.Arg446Met; replaces arginine 446 with methionine.
Molecular consequence: missense variant. On other transcripts: non-coding transcript variant (2).
Genome position (GRCh38, 1-based): chr2:232,249,258, G>T. VCF-style: chr2-232249258-G-T. GRCh37 (hg19) VCF-style: chr2-233113968-G-T.
Other names: c.1337G>T, p.Arg446Met (NM_001257281.2); short protein forms R446M.
Identifiers: ClinVar variation 531952 (VCV000531952.8), dbSNP rs369290389, ClinGen allele CA2164122.

ClinVar aggregate classification (germline): Uncertain significance (1 of 4 stars; one submission).

Conditions:
Perlman syndrome (PRLMNS). Identifiers: Orphanet 2849, MedGen C0796113, MONDO:0009965, OMIM 267000.

Allele frequency attached by ClinVar (database versions not stated): ExAC 0.00002; gnomAD 0.00002; TOPMed 0.00002; ESP Exome Variant Server 0.00015.
gnomAD v4.1: 34 of 1,613,968 alleles (0.0021%); highest among the groups gnomAD compares: Non-Finnish European, 0.0027%; no homozygotes.

Submission:

Labcorp Genetics (formerly Invitae), Labcorp
Classification: Uncertain significance for Perlman syndrome. Last evaluated: 2025-02-28. Review status: criteria provided, single submitter. Criteria: Invitae Variant Classification Sherloc (09022015). Collection method: clinical testing. Allele origin: germline.
Comment: This sequence change replaces arginine, which is basic and polar, with methionine, which is neutral and non-polar, at codon 446 of the DIS3L2 protein (p.Arg446Met). This variant is present in population databases (rs369290389, gnomAD 0.004%). This variant has not been reported in the literature in individuals affected with DIS3L2-related conditions. ClinVar contains an entry for this variant (Variation ID: 531952). Invitae Evidence Modeling of protein sequence and biophysical properties (such as structural, functional, and spatial information, amino acid conservation, physicochemical variation, residue mobility, and thermodynamic stability) indicates that this missense variant is expected to disrupt DIS3L2 protein function with a positive predictive value of 80%. In summary, the available evidence is currently insufficient to determine the role of this variant in disease. Therefore, it has been classified as a Variant of Uncertain Significance.